The following is an entry in ClinVar:

ClinVar aggregate classification (germline): Uncertain significance (1 of 4 stars; one submission).

Allele frequency attached by ClinVar (database versions not stated): gnomAD 0.00031; TOPMed 0.00036; gnomAD exomes 0.00048; ExAC 0.00052; ESP Exome Variant Server 0.00062.
gnomAD v4.1: 588 of 1,613,588 alleles (0.036%); highest among the groups gnomAD compares: Non-Finnish European, 0.041%; no homozygotes.

Submission:

Labcorp Genetics (formerly Invitae), Labcorp
Classification: Uncertain significance. Last evaluated: 2025-10-31. Review status: criteria provided, single submitter. Criteria: Invitae Variant Classification Sherloc (09022015). Collection method: clinical testing. Allele origin: germline.
Comment: This sequence change replaces arginine, which is basic and polar, with histidine, which is basic and polar, at codon 576 of the ERMARD protein (p.Arg576His). This variant is present in population databases (rs140632188, gnomAD 0.2%), and has an allele count higher than expected for a pathogenic variant. This variant has not been reported in the literature in individuals affected with ERMARD-related conditions. ClinVar contains an entry for this variant (Variation ID: 1438551). Invitae Evidence Modeling of protein sequence and biophysical properties (such as structural, functional, and spatial information, amino acid conservation, physicochemical variation, residue mobility, and thermodynamic stability) indicates that this missense variant is not expected to disrupt ERMARD protein function with a negative predictive value of 80%. In summary, the available evidence is currently insufficient to determine the role of this variant in disease. Therefore, it has been classified as a Variant of Uncertain Significance.

NM_018341.3(ERMARD):c.1727G>A (p.Arg576His)

Gene: ERMARD (ER membrane associated RNA degradation; plus strand). Cytogenetic location: 6q27.
Variant type: single nucleotide variant.
Coding change: c.1727G>A on transcript NM_018341.3 (MANE Select); coding-DNA position 1727, G replaced by A.
Protein change: p.Arg576His; replaces arginine 576 with histidine.
Molecular consequence: missense variant. On other transcripts: intron variant (2).
Genome position (GRCh38, 1-based): chr6:169,776,661, G>A. VCF-style: chr6-169776661-G-A. GRCh37 (hg19) VCF-style: chr6-170176757-G-A.
Other names: c.1349G>A, p.Arg450His (NM_001278532.2); c.1598+250G>A (NM_001278531.2); c.1520+596G>A (NM_001278533.2); short protein forms R576H, R450H.
Identifiers: ClinVar variation 1438551 (VCV001438551.6), dbSNP rs140632188, ClinGen allele CA4106394.
Genomic context (GRCh38, chr6:169,776,661, plus strand): 5'-TGAGACACAGGCAGTGGGTGGAAAGGACGCTGCGGTCTCGCCAGCGGCAGAACTACCTGC[G>A]TATGTGGAGTAGGTGCGCGCTCACTTTCCTGTTTTGGAGGGGCACTGTGGGGCAGGAAGT-3'
Protein context (NP_060811.1, residues 566-586): LRSRQRQNYL[Arg576His]MWSSIRLLSP